The following is an entry in ClinVar:

ClinVar aggregate classification (germline): Uncertain significance. Review status: criteria provided, multiple submitters, no conflicts (2 of 4 stars). 3 submissions from 3 submitters: Uncertain significance (3). Last evaluated 2023-01-18.

Conditions:
LRP4-related disorder. Also called: LRP4-related condition.
Cenani-Lenz syndactyly syndrome. Also called: CENANI SYNDACTYLISM; SYNDACTYLY, TYPE VII. Identifiers: Orphanet 3258, MedGen C1859309, MONDO:0008931, OMIM 212780.
Sclerosteosis 2 (SOST2). Identifiers: Orphanet 3152, MedGen C3280402, MONDO:0013679, OMIM 614305.
Congenital myasthenic syndrome 17. Identifiers: Orphanet 590, MedGen C4225377, MONDO:0014578, OMIM 616304.

Allele frequency attached by ClinVar (database versions not stated): gnomAD 0.00001; TOPMed 0.00003.
gnomAD v4.1: 20 of 1,613,748 alleles (0.0012%); highest among the groups gnomAD compares: Admixed American, 0.033%; no homozygotes.

Submissions (3):

PreventionGenetics, part of Exact Sciences
Classification: Uncertain significance for LRP4-related condition. Last evaluated: 2023-01-18. Review status: criteria provided, single submitter. Criteria: ACMG Guidelines, 2015. Collection method: clinical testing. Allele origin: germline.
Comment: The LRP4 c.3919C>T variant is predicted to result in the amino acid substitution p.Pro1307Ser. To our knowledge, this variant has not been reported in the literature. This variant is reported in 0.046% of alleles in individuals of Latino descent in gnomAD. At this time, the clinical significance of this variant is uncertain due to the absence of conclusive functional and genetic evidence.

Labcorp Genetics (formerly Invitae), Labcorp
Classification: Uncertain significance for Cenani-Lenz syndactyly syndrome; Sclerosteosis 2; Congenital myasthenic syndrome 17. Last evaluated: 2022-08-15. Review status: criteria provided, single submitter. Criteria: Invitae Variant Classification Sherloc (09022015). Collection method: clinical testing. Allele origin: germline.
Comment: This sequence change replaces proline, which is neutral and non-polar, with serine, which is neutral and polar, at codon 1307 of the LRP4 protein (p.Pro1307Ser). This variant is present in population databases (rs771126504, gnomAD 0.05%). In summary, the available evidence is currently insufficient to determine the role of this variant in disease. Therefore, it has been classified as a Variant of Uncertain Significance. Algorithms developed to predict the effect of missense changes on protein structure and function are either unavailable or do not agree on the potential impact of this missense change (SIFT: "Deleterious"; PolyPhen-2: "Benign"; Align-GVGD: "Class C25"). ClinVar contains an entry for this variant (Variation ID: 467788). This variant has not been reported in the literature in individuals affected with LRP4-related conditions.

Fulgent Genetics
Classification: Uncertain significance for Cenani-Lenz syndactyly syndrome; Sclerosteosis 2; Congenital myasthenic syndrome 17. Last evaluated: 2022-03-23. Review status: criteria provided, single submitter. Criteria: ACMG Guidelines, 2015. Collection method: clinical testing. Allele origin: unknown.

NM_002334.4(LRP4):c.3919C>T (p.Pro1307Ser)

Gene: LRP4 (LDL receptor related protein 4; minus strand). Cytogenetic location: 11p11.2.
Variant type: single nucleotide variant.
Coding change: c.3919C>T on transcript NM_002334.4 (MANE Select); coding-DNA position 3919, C replaced by T.
Protein change: p.Pro1307Ser; replaces proline 1307 with serine.
Molecular consequence: missense variant.
Genome position (GRCh38, 1-based): chr11:46,875,462, G>A on the plus strand (C>T on the coding strand, the complement: LRP4 is on the minus strand). VCF-style: chr11-46875462-G-A. GRCh37 (hg19) VCF-style: chr11-46897013-G-A.
Other names: short protein forms P1307S.
Identifiers: ClinVar variation 467788 (VCV000467788.9), dbSNP rs771126504, ClinGen allele CA5969457.